The following is an entry in ClinVar:

NM_017763.6(RNF43):c.1135C>T (p.Gln379Ter)

Gene: RNF43 (ring finger protein 43; minus strand). Cytogenetic location: 17q22.
Variant type: single nucleotide variant.
Coding change: c.1135C>T on transcript NM_017763.6 (MANE Select); coding-DNA position 1135, C replaced by T.
Protein change: p.Gln379Ter; replaces glutamine 379 with a stop codon.
Molecular consequence: nonsense.
Genome position (GRCh38, 1-based): chr17:58,358,641, G>A on the plus strand (C>T on the coding strand, the complement: RNF43 is on the minus strand). VCF-style: chr17-58358641-G-A. GRCh37 (hg19) VCF-style: chr17-56436002-G-A.
Other names: c.754C>T, p.Gln252Ter (NM_001437987.1, NM_001305545.2); c.1135C>T, p.Gln379Ter (NM_001438820.1, NM_001438821.1, NM_001438822.1 and 1 more transcripts); short protein forms Q379*, Q252*.
Identifiers: ClinVar variation 4844773 (VCV004844773.1).
Genomic context (GRCh38, chr17:58,358,641, plus strand): 5'-GAGCCCGGGGATGTGCAGCTCTGGGGAAGCGGTGATGCCGAGGGCCCATGCCTGGCTCCT[G>A]GGATGGCAGGAAGGGACCAGGTCGTGGGGGCCGAGCCACTGCACTCCGGGAAGGGCCCAA-3'

ClinVar aggregate classification (germline): Uncertain significance (1 of 4 stars; one submission).

gnomAD v4.1: 1 of 1,534,148 alleles (0.000065%); highest among the groups gnomAD compares: Non-Finnish European, 0.000088%; no homozygotes.

Submission:

Ambry Genetics
Classification: Uncertain significance. Last evaluated: 2026-02-03. Review status: criteria provided, single submitter. Criteria: Ambry Variant Classification Scheme 2023. Collection method: clinical testing. Allele origin: germline.
Comment: The p.Q379* variant (also known as c.1135C>T), located in coding exon 8 of the RNF43 gene, results from a C to T substitution at nucleotide position 1135. This changes the amino acid from a glutamine to a stop codon within coding exon 8. The evidence for this gene-disease relationship is limited; therefore, the clinical significance of this variant is unclear.